The following is an entry in ClinVar:

NM_003906.5(MCM3AP):c.2008G>A (p.Ala670Thr)

Gene: MCM3AP (minichromosome maintenance complex component 3 associated protein; minus strand). Cytogenetic location: 21q22.3.
Variant type: single nucleotide variant.
Coding change: c.2008G>A on transcript NM_003906.5 (MANE Select); coding-DNA position 2008, G replaced by A.
Protein change: p.Ala670Thr; replaces alanine 670 with threonine.
Molecular consequence: missense variant.
Genome position (GRCh38, 1-based): chr21:46,273,576, C>T on the plus strand (G>A on the coding strand, the complement: MCM3AP is on the minus strand). VCF-style: chr21-46273576-C-T. GRCh37 (hg19) VCF-style: chr21-47693490-C-T.
Other names: p.Ala670Thr; c.2008G>A (NM_003906.4); short protein forms A670T.
Identifiers: ClinVar variation 1501693 (VCV001501693.9), dbSNP rs150303901, ClinGen allele CA10076898.

ClinVar aggregate classification (germline): Conflicting classifications of pathogenicity. Review status: criteria provided, conflicting classifications (1 of 4 stars). 5 submissions from 5 submitters: Uncertain significance (4); Likely benign (1). Last evaluated 2025-09-30.

Allele frequency attached by ClinVar (database versions not stated): ESP Exome Variant Server 0.00077; ExAC 0.00018; gnomAD 0.00044 and 0.00050.
gnomAD v4.1: 259 of 1,613,432 alleles (0.016%); highest among the groups gnomAD compares: African/African-American, 0.12%; no homozygotes.

Submissions (5):

Mayo Clinic Laboratories, Mayo Clinic
Classification: Uncertain significance. Last evaluated: 2025-09-30. Review status: criteria provided, single submitter. Criteria: ACMG Guidelines, 2015. Collection method: clinical testing. Allele origin: germline. Observed: 1 variant allele.
Comment: BP4_moderate

Women's Health and Genetics/Laboratory Corporation of America, LabCorp
Classification: Likely benign. Last evaluated: 2024-12-03. Review status: criteria provided, single submitter. Criteria: LabCorp Variant Classification Summary - May 2015. Collection method: clinical testing. Allele origin: germline.
Comment: Variant summary: MCM3AP c.2008G>A (p.Ala670Thr) results in a non-conservative amino acid change located in the SAC3/GANP/THP3, conserved domain (IPR005062) of the encoded protein sequence. Four of five in-silico tools predict a benign effect of the variant on protein function. The variant allele was found at a frequency of 0.00016 in 249920 control chromosomes, predominantly at a frequency of 0.0019 within the African or African-American subpopulation in the gnomAD database (v4.1 dataset). The observed variant frequency within African or African-American control individuals in the gnomAD database is approximately 1.7 fold of the estimated maximal expected allele frequency for a pathogenic variant in MCM3AP causing Peripheral neuropathy, autosomal recessive, with or without impaired intellectual development phenotype (0.0011). To our knowledge, no occurrence of c.2008G>A in individuals affected with Peripheral neuropathy, autosomal recessive, with or without impaired intellectual development and no experimental evidence demonstrating its impact on protein function have been reported. ClinVar contains an entry for this variant (Variation ID: 1501693). Based on the evidence outlined above, the variant was classified as likely benign.

Labcorp Genetics (formerly Invitae), Labcorp
Classification: Uncertain significance. Last evaluated: 2024-09-14. Review status: criteria provided, single submitter. Criteria: Invitae Variant Classification Sherloc (09022015). Collection method: clinical testing. Allele origin: germline.
Comment: This sequence change replaces alanine, which is neutral and non-polar, with threonine, which is neutral and polar, at codon 670 of the MCM3AP protein (p.Ala670Thr). This variant is present in population databases (rs150303901, gnomAD 0.2%). This variant has not been reported in the literature in individuals affected with MCM3AP-related conditions. ClinVar contains an entry for this variant (Variation ID: 1501693). An algorithm developed to predict the effect of missense changes on protein structure and function outputs the following: PolyPhen-2: "Benign". The threonine amino acid residue is found in multiple mammalian species, which suggests that this missense change does not adversely affect protein function. In summary, the available evidence is currently insufficient to determine the role of this variant in disease. Therefore, it has been classified as a Variant of Uncertain Significance.

GeneDx
Classification: Uncertain significance. Last evaluated: 2023-06-14. Review status: criteria provided, single submitter. Criteria: GeneDx Variant Classification Process June 2021. Collection method: clinical testing. Allele origin: germline. Affected: yes.
Comment: In silico analysis supports that this missense variant does not alter protein structure/function; Has not been previously published as pathogenic or benign to our knowledge

Breakthrough Genomics
Classification: Uncertain significance. Review status: criteria provided, single submitter. Criteria: ACMG Guidelines, 2015. Collection method: not provided. Allele origin: germline. Inheritance: Autosomal dominant inheritance. Affected: yes.